The following is an entry in ClinVar:

NM_001349253.2(SCN11A):c.5225A>T (p.Lys1742Met)

Gene: SCN11A (sodium voltage-gated channel alpha subunit 11; minus strand). Cytogenetic location: 3p22.2.
Variant type: single nucleotide variant.
Coding change: c.5225A>T on transcript NM_001349253.2 (MANE Select); coding-DNA position 5225, A replaced by T.
Protein change: p.Lys1742Met; replaces lysine 1742 with methionine.
Molecular consequence: missense variant.
Genome position (GRCh38, 1-based): chr3:38,846,845, T>A on the plus strand (A>T on the coding strand, the complement: SCN11A is on the minus strand). VCF-style: chr3-38846845-T-A. GRCh37 (hg19) VCF-style: chr3-38888336-T-A.
Other names: c.5225A>T, p.Lys1742Met (NM_014139.3); short protein forms K1742M.
Identifiers: ClinVar variation 1402600 (VCV001402600.8), dbSNP rs774850265, ClinGen allele CA2321373.
Genomic context (GRCh38, chr3:38,846,845, plus strand): 5'-AAGTCATTTTGGTCACCTTGGTCACCCTTGGTCACCTTCATCATGTACTTTCGAAAGGCC[T>A]TTTGAATAATAGCAGCACCTCTTTCCTCTTCCTTTCTCTTGGTGGTGGTGACTATGGGTT-3'
Protein context (NP_001336182.1, residues 1732-1752): EEERGAAIIQ[Lys1742Met]AFRKYMMKVT

ClinVar aggregate classification (germline): Uncertain significance (1 of 4 stars; one submission).

Conditions:
Hereditary sensory and autonomic neuropathy type 7. Also called: Neuropathy, hereditary sensory and autonomic, type VII; HSAN VII. Identifiers: Orphanet 391397, MedGen C3809882, MONDO:0014244, OMIM 615548.
Familial episodic pain syndrome with predominantly lower limb involvement. Also called: Episodic pain syndrome, familial, 3. Identifiers: Orphanet 391384, Orphanet 391392, MedGen C3809899, MONDO:0014247, OMIM 615552.

Allele frequency attached by ClinVar (database versions not stated): gnomAD exomes below 0.00001; ExAC 0.00001; gnomAD 0.00001; 1000 Genomes Project 30x 0.00016.
gnomAD v4.1: 2 of 1,614,128 alleles (0.00012%); highest among the groups gnomAD compares: East Asian, 0.0045%; no homozygotes.

Submission:

Labcorp Genetics (formerly Invitae), Labcorp
Classification: Uncertain significance for Familial episodic pain syndrome with predominantly lower limb involvement; Hereditary sensory and autonomic neuropathy type 7. Last evaluated: 2021-05-13. Review status: criteria provided, single submitter. Criteria: Invitae Variant Classification Sherloc (09022015). Collection method: clinical testing. Allele origin: germline.
Comment: In summary, the available evidence is currently insufficient to determine the role of this variant in disease. Therefore, it has been classified as a Variant of Uncertain Significance. This variant is present in population databases (rs774850265, ExAC 0.01%). This variant has not been reported in the literature in individuals with SCN11A-related conditions. Algorithms developed to predict the effect of missense changes on protein structure and function (SIFT, PolyPhen-2, Align-GVGD) all suggest that this variant is likely to be disruptive, but these predictions have not been confirmed by published functional studies and their clinical significance is uncertain. This sequence change replaces lysine with methionine at codon 1742 of the SCN11A protein (p.Lys1742Met). The lysine residue is highly conserved and there is a moderate physicochemical difference between lysine and methionine.